The following is an entry in ClinVar:

NM_014712.3(SETD1A):c.4232C>T (p.Pro1411Leu)

Gene: SETD1A (SET domain containing 1A, histone lysine methyltransferase; plus strand). Cytogenetic location: 16p11.2.
Variant type: single nucleotide variant.
Coding change: c.4232C>T on transcript NM_014712.3 (MANE Select); coding-DNA position 4232, C replaced by T.
Protein change: p.Pro1411Leu; replaces proline 1411 with leucine.
Molecular consequence: missense variant.
Genome position (GRCh38, 1-based): chr16:30,980,018, C>T. VCF-style: chr16-30980018-C-T. GRCh37 (hg19) VCF-style: chr16-30991339-C-T.
Other names: short protein forms P1411L.
Identifiers: ClinVar variation 2646455 (VCV002646455.24), dbSNP rs142782803, ClinGen allele CA8017493.

ClinVar aggregate classification (germline): Benign (1 of 4 stars; one submission).

Allele frequency attached by ClinVar (database versions not stated): ESP Exome Variant Server 0.00031.
gnomAD v4.1: 367 of 1,538,544 alleles (0.024%); highest among the groups gnomAD compares: Non-Finnish European, 0.0089%; 2 homozygotes.

Submission:

CeGaT Center for Human Genetics Tuebingen
Classification: Benign. Last evaluated: 2024-02-01. Review status: criteria provided, single submitter. Criteria: CeGaT Center For Human Genetics Tuebingen Variant Classification Criteria Version 2. Collection method: clinical testing. Allele origin: germline. Affected: yes. Observed: 2 variant alleles.
Comment: SETD1A: PP3, BS1, BS2